The following is an entry in ClinVar:

ClinVar aggregate classification (germline): Uncertain significance (1 of 4 stars; one submission).

Conditions:
Metachromatic leukodystrophy (MLD). Also called: ARSA DEFICIENCY; CEREBROSIDE SULFATASE DEFICIENCY; METACHROMATIC LEUKOENCEPHALOPATHY; SULFATIDE LIPIDOSIS; Cerebral sclerosis diffuse metachromatic form; Arylsulfatase A Deficiency. Identifiers: Orphanet 512, MedGen C0023522, MONDO:0018868, OMIM 250100.

Submission:

3billion
Classification: Uncertain significance for Metachromatic leukodystrophy. Last evaluated: 2024-11-11. Review status: criteria provided, single submitter. Criteria: ACMG Guidelines, 2015. Collection method: clinical testing. Allele origin: germline. Affected: yes.
Comment: The variant is not observed in the gnomAD v4.1.0 dataset. Predicted Consequence/Location: Missense variant In silico tool predictions suggest damaging effect of the variant on gene or gene product [REVEL: 0.93 (>=0.6, sensitivity 0.68 and specificity 0.92); 3Cnet: 0.99 (>=0.6, sensitivity 0.72 and precision 0.9)]. Therefore, this variant is classified as VUS according to the recommendation of ACMG/AMP guideline.

NM_000487.6(ARSA):c.83T>A (p.Ile28Asn)

Gene: ARSA (arylsulfatase A; minus strand). Cytogenetic location: 22q13.33.
Variant type: single nucleotide variant.
Coding change: c.83T>A on transcript NM_000487.6 (MANE Select); coding-DNA position 83, T replaced by A.
Protein change: p.Ile28Asn; replaces isoleucine 28 with asparagine.
Molecular consequence: missense variant. On other transcripts: intron variant (2).
Genome position (GRCh38, 1-based): chr22:50,627,697, A>T on the plus strand (T>A on the coding strand, the complement: ARSA is on the minus strand). VCF-style: chr22-50627697-A-T. GRCh37 (hg19) VCF-style: chr22-51066125-A-T.
Other names: c.83T>A, p.Ile28Asn (NM_001085425.3, NM_001085426.3, NM_001085427.3); c.-34-291T>A (NM_001362782.2); c.-35+249T>A (NM_001085428.3); short protein forms I28N.
Identifiers: ClinVar variation 4293793 (VCV004293793.1).